The following is an entry in ClinVar:

NM_000444.6(PHEX):c.1543_1544del (p.Gln515fs)

Gene: PHEX (phosphate regulating endopeptidase X-linked; plus strand). Cytogenetic location: Xp22.11.
Variant type: Microsatellite.
Coding change: c.1543_1544del on transcript NM_000444.6 (MANE Select); coding-DNA positions 1543 to 1544, 2 bases deleted (CA; older notation c.1543_1544delCA).
Protein change: p.Gln515fs; shifts the reading frame from glutamine 515.
Molecular consequence: frameshift variant.
Genome position (GRCh38, 1-based): chrX:22,178,333-22,178,334, CA deleted; deleting any 2 consecutive bases within chrX:22,178,331-22,178,334 gives the same sequence; the c. name uses the placement nearest the transcript's 3' end. VCF-style (leftmost placement, unchanged base first): chrX-22178330-GCA-G. GRCh37 (hg19) VCF-style: chrX-22196447-GCA-G.
Other names: c.1543_1544del, p.Gln515fs (NM_001282754.2); short protein forms Q515fs.
Identifiers: ClinVar variation 1069653 (VCV001069653.7), dbSNP rs2147128222, ClinGen allele CA2580616906.
Genomic context (GRCh38, chrX:22,178,330, plus strand): 5'-CAGATCAAGTTTTCAGAAGCCGACTACTTTGGCAACGTCCTACAAACTCGCAAGTATTTA[GCA>G]CAGTCTGATTTCTTCTGGCTAAGAAAAGCCGTTCCAAAAACAGAGTGAGTATTAAACAAA-3'

ClinVar aggregate classification (germline): Pathogenic (1 of 4 stars; one submission).

Submission:

Labcorp Genetics (formerly Invitae), Labcorp
Classification: Pathogenic. Last evaluated: 2022-02-25. Review status: criteria provided, single submitter. Criteria: Invitae Variant Classification Sherloc (09022015). Collection method: clinical testing. Allele origin: germline.
Comment: This sequence change creates a premature translational stop signal (p.Gln515Valfs*2) in the PHEX gene. It is expected to result in an absent or disrupted protein product. Loss-of-function variants in PHEX are known to be pathogenic (PMID: 9097956, 9106524, 19219621). For these reasons, this variant has been classified as Pathogenic. This variant has not been reported in the literature in individuals affected with PHEX-related conditions. This variant is not present in population databases (gnomAD no frequency).

Literature cited by the submitters: PubMed 9097956; PubMed 9106524; PubMed 19219621.